The following is an entry in ClinVar:

NM_001378454.1(ALMS1):c.6772del (p.Thr2258fs)

Gene: ALMS1 (ALMS1 centrosome and basal body associated protein; plus strand). Cytogenetic location: 2p13.1.
Variant type: Deletion.
Coding change: c.6772del on transcript NM_001378454.1 (MANE Select); coding-DNA position 6772, one base deleted (A; older notation c.6772delA).
Protein change: p.Thr2258fs; shifts the reading frame from threonine 2258.
Molecular consequence: frameshift variant.
Genome position (GRCh38, 1-based): chr2:73,453,299, A deleted; the last of 4 consecutive A bases (chr2:73,453,296-73,453,299); deleting any one gives the same sequence. VCF-style (leftmost placement, unchanged base first): chr2-73453295-TA-T. GRCh37 (hg19) VCF-style: chr2-73680422-TA-T.
Other names: c.6775delA (NM_015120.4); c.6775del, p.Thr2259fs (NM_015120.4); short protein forms T2259fs, T2258fs.
Identifiers: ClinVar variation 451381 (VCV000451381.13), dbSNP rs1553404310, ClinGen allele CA658657041.

ClinVar aggregate classification (germline): Pathogenic/Likely pathogenic. Review status: criteria provided, multiple submitters, no conflicts (2 of 4 stars). 4 submissions from 4 submitters: Pathogenic (1); Likely pathogenic (2). 1 of the submissions does not count toward it. Last evaluated 2023-10-15.

Conditions:
Stickler syndrome. Identifiers: Orphanet 828, MedGen C0265253, MONDO:0019354.
Alstrom syndrome (ALMS). Identifiers: Orphanet 64, MedGen C0268425, MONDO:0008763, OMIM 203800.

Submissions (4):

Labcorp Genetics (formerly Invitae), Labcorp
Classification: Pathogenic for Alstrom syndrome. Last evaluated: 2023-10-15. Review status: criteria provided, single submitter. Criteria: Invitae Variant Classification Sherloc (09022015). Collection method: clinical testing. Allele origin: germline.
Comment: This sequence change creates a premature translational stop signal (p.Thr2259Leufs*9) in the ALMS1 gene. It is expected to result in an absent or disrupted protein product. Loss-of-function variants in ALMS1 are known to be pathogenic (PMID: 17594715). This variant is not present in population databases (gnomAD no frequency). This variant has not been reported in the literature in individuals affected with ALMS1-related conditions. ClinVar contains an entry for this variant (Variation ID: 451381). For these reasons, this variant has been classified as Pathogenic.

Department of Otolaryngology – Head & Neck Surgery, Cochlear Implant Center
Classification: Likely pathogenic for Stickler syndrome. Last evaluated: 2021-04-12. Review status: criteria provided, single submitter. Criteria: ClinGen HL ACMG Specifications v1. Collection method: clinical testing. Allele origin: germline. Affected: yes.
Comment: PVS1_Strong, PM2_Moderate

GeneDx
Classification: Likely pathogenic. Last evaluated: 2017-08-15. Review status: criteria provided, single submitter. Criteria: GeneDx Variant Classification (06012015). Collection method: clinical testing. Allele origin: germline. Affected: yes.
Comment: Although the c.6775delA likely pathogenic variant in the ALMS1 gene has not been reported to our knowledge, this variant causes a shift in reading frame starting at codon threonine 2259, changing it to a leucine, and creating a premature stop codon at position 9 of the new reading frame, denoted p.Thr2259LeufsX9. This likely pathogenic variant is expected to result in either an abnormal, truncated protein product or loss of protein from this allele through nonsense-mediated mRNA decay. Other loss of function variants in the ALMS1 gene have been reported in Human Gene Mutation Database in association with Alstrom syndrome (Stenson et al., 2014). Furthermore, the c.6775delA variant has not been observed in large population cohorts (Lek et al., 2016; 1000 Genomes Consortium et al., 2015; Exome Variant Server).

Counsyl
Classification: Likely pathogenic for Alstrom syndrome. Last evaluated: 2018-03-13. Review status: no assertion criteria provided. Collection method: clinical testing. Allele origin: unknown. Not counted in ClinVar's aggregate classification.

Literature cited by the submitters: PubMed 17594715 (cited by Labcorp Genetics (formerly Invitae), Labcorp).